The following is an entry in ClinVar:

ClinVar aggregate classification (germline): Uncertain significance (1 of 4 stars; one submission).

Conditions:
Cobalamin C disease. Also called: Methylmalonic aciduria and homocystinuria, Vitamin B12-responsive; Vitamin B12 metabolic defect with combined deficiency of methylmalonyl-CoA mutase and homocysteine:methyltetrahydrofolate methyltransferase; methylmalonic aciduria and homocystinuria type cblC; Cobalamin-C methylmalonic acidemia and homocystinuria; Methylmalonic acidemia and homocystinuria cblC type; Methylmalonic aciduria with homocystinuria cblC type. Identifiers: Orphanet 26, Orphanet 79282, MedGen C1848561, MONDO:0010184, OMIM 277400.

Allele frequency attached by ClinVar (database versions not stated): gnomAD exomes below 0.00001.
gnomAD v4.1: 1 of 1,614,194 alleles (0.000062%); highest among the groups gnomAD compares: African/African-American, 0.0013%; no homozygotes.

Submission:

Labcorp Genetics (formerly Invitae), Labcorp
Classification: Uncertain significance for Cobalamin C disease. Last evaluated: 2023-11-01. Review status: criteria provided, single submitter. Criteria: Invitae Variant Classification Sherloc (09022015). Collection method: clinical testing. Allele origin: germline.
Comment: This sequence change replaces valine, which is neutral and non-polar, with methionine, which is neutral and non-polar, at codon 164 of the MMACHC protein (p.Val164Met). This variant is not present in population databases (gnomAD no frequency). This variant has not been reported in the literature in individuals affected with MMACHC-related conditions. ClinVar contains an entry for this variant (Variation ID: 1369016). Algorithms developed to predict the effect of missense changes on protein structure and function output the following: SIFT: "Not Available"; PolyPhen-2: "Benign"; Align-GVGD: "Not Available". The methionine amino acid residue is found in multiple mammalian species, which suggests that this missense change does not adversely affect protein function. In summary, the available evidence is currently insufficient to determine the role of this variant in disease. Therefore, it has been classified as a Variant of Uncertain Significance.

NM_015506.3(MMACHC):c.490G>A (p.Val164Met)

Gene: MMACHC (metabolism of cobalamin associated C; plus strand). Cytogenetic location: 1p34.1.
Variant type: single nucleotide variant.
Coding change: c.490G>A on transcript NM_015506.3 (MANE Select); coding-DNA position 490, G replaced by A.
Protein change: p.Val164Met; replaces valine 164 with methionine.
Molecular consequence: missense variant.
Genome position (GRCh38, 1-based): chr1:45,508,856, G>A. VCF-style: chr1-45508856-G-A. GRCh37 (hg19) VCF-style: chr1-45974528-G-A.
Other names: c.319G>A, p.Val107Met (NM_001330540.2); short protein forms V107M, V164M.
Identifiers: ClinVar variation 1369016 (VCV001369016.4), dbSNP rs1417321919, ClinGen allele CA340133196.
Genomic context (GRCh38, chr1:45,508,856, plus strand): 5'-CGCATATCAGGTGTGTGCATACACCCCCGATTTGGGGGCTGGTTTGCCATCCGAGGGGTA[G>A]TGCTGCTGCCAGGGATAGAGGTGCCAGATCTGCCACCCAGAAAACCTCATGACTGTGTAC-3'
Protein context (NP_056321.2, residues 154-174): FGGWFAIRGV[Val164Met]LLPGIEVPDL